The following is an entry in ClinVar:

NM_022726.4(ELOVL4):c.757G>C (p.Ala253Pro)

Gene: ELOVL4 (ELOVL fatty acid elongase 4; minus strand). Cytogenetic location: 6q14.1.
Variant type: single nucleotide variant.
Coding change: c.757G>C on transcript NM_022726.4 (MANE Select); coding-DNA position 757, G replaced by C.
Protein change: p.Ala253Pro; replaces alanine 253 with proline.
Molecular consequence: missense variant.
Genome position (GRCh38, 1-based): chr6:79,916,796, C>G on the plus strand (G>C on the coding strand, the complement: ELOVL4 is on the minus strand). VCF-style: chr6-79916796-C-G. GRCh37 (hg19) VCF-style: chr6-80626513-C-G.
Other names: short protein forms A253P.
Identifiers: ClinVar variation 3672263 (VCV003672263.2).

ClinVar aggregate classification (germline): Uncertain significance (1 of 4 stars; one submission).

Submission:

Labcorp Genetics (formerly Invitae), Labcorp
Classification: Uncertain significance. Last evaluated: 2024-04-03. Review status: criteria provided, single submitter. Criteria: Invitae Variant Classification Sherloc (09022015). Collection method: clinical testing. Allele origin: germline.
Comment: This sequence change replaces alanine, which is neutral and non-polar, with proline, which is neutral and non-polar, at codon 253 of the ELOVL4 protein (p.Ala253Pro). This variant is not present in population databases (gnomAD no frequency). This variant has not been reported in the literature in individuals affected with ELOVL4-related conditions. Advanced modeling of protein sequence and biophysical properties (such as structural, functional, and spatial information, amino acid conservation, physicochemical variation, residue mobility, and thermodynamic stability) performed at Invitae indicates that this missense variant is not expected to disrupt ELOVL4 protein function with a negative predictive value of 80%. In summary, the available evidence is currently insufficient to determine the role of this variant in disease. Therefore, it has been classified as a Variant of Uncertain Significance.